The following is an entry in ClinVar:

NM_005876.5(SPEG):c.1276_1293dup (p.Pro426_Arg431dup)

Gene: SPEG (striated muscle enriched protein kinase; plus strand). Cytogenetic location: 2q35.
Variant type: Duplication.
Coding change: c.1276_1293dup on transcript NM_005876.5 (MANE Select); coding-DNA positions 1276 to 1293, 18 bases duplicated (CCCTGGGTGCCCCTGCGC).
Protein change: p.Pro426_Arg431dup.
Molecular consequence: inframe insertion.
Genome position (GRCh38, 1-based): chr2:219,448,434-219,448,451, CCCTGGGTGCCCCTGCGC duplicated. VCF-style (leftmost placement, unchanged base first): chr2-219448433-G-GCCCTGGGTGCCCCTGCGC. GRCh37 (hg19) VCF-style: chr2-220313155-G-GCCCTGGGTGCCCCTGCGC.
Identifiers: ClinVar variation 1346266 (VCV001346266.8), dbSNP rs2125281936, ClinGen allele CA2573135395.

ClinVar aggregate classification (germline): Uncertain significance (1 of 4 stars; one submission).

Submission:

Labcorp Genetics (formerly Invitae), Labcorp
Classification: Uncertain significance. Last evaluated: 2025-11-24. Review status: criteria provided, single submitter. Criteria: Invitae Variant Classification Sherloc (09022015). Collection method: clinical testing. Allele origin: germline.
Comment: This variant, c.1276_1293dup, results in the insertion of 6 amino acid(s) of the SPEG protein (p.Pro426_Arg431dup), but otherwise preserves the integrity of the reading frame. This variant is not present in population databases (gnomAD no frequency). This variant has not been reported in the literature in individuals affected with SPEG-related conditions. ClinVar contains an entry for this variant (Variation ID: 1346266). Experimental studies and prediction algorithms are not available or were not evaluated, and the functional significance of this variant is currently unknown. In summary, the available evidence is currently insufficient to determine the role of this variant in disease. Therefore, it has been classified as a Variant of Uncertain Significance.